The following is an entry in ClinVar:

ClinVar aggregate classification (germline): Uncertain significance (0 of 4 stars; one submission).

Conditions:
KIF5C-related disorder. Also called: KIF5C-related condition.

Submission:

PreventionGenetics, part of Exact Sciences
Classification: Uncertain significance for KIF5C-related condition. Last evaluated: 2024-09-17. Review status: no assertion criteria provided. Collection method: clinical testing. Allele origin: germline.
Comment: The KIF5C c.1972G>A variant is predicted to result in the amino acid substitution p.Glu658Lys. To our knowledge, this variant has not been reported in the literature or in a large population database, indicating this variant is rare. At this time, the clinical significance of this variant is uncertain due to the absence of conclusive functional and genetic evidence.

NM_004522.3(KIF5C):c.1972G>A (p.Glu658Lys)

Gene: KIF5C (kinesin family member 5C; plus strand). Cytogenetic location: 2q23.1.
Variant type: single nucleotide variant.
Coding change: c.1972G>A on transcript NM_004522.3 (MANE Select); coding-DNA position 1972, G replaced by A.
Protein change: p.Glu658Lys; replaces glutamic acid 658 with lysine.
Molecular consequence: missense variant. On other transcripts: non-coding transcript variant (1).
Genome position (GRCh38, 1-based): chr2:148,994,487, G>A. VCF-style: chr2-148994487-G-A. GRCh37 (hg19) VCF-style: chr2-149851001-G-A.
Other names: short protein forms E658K.
Identifiers: ClinVar variation 3344874 (VCV003344874.1).
Genomic context (GRCh38, chr2:148,994,487, plus strand): 5'-GCCAAGATCAAGTCTCTGACAGACTACATGCAGAACATGGAACAGAAGAGGAGGCAGCTA[G>A]AAGAGTCCCAGGACTCGCTCAGCGAAGAGCTGGCAAAGCTCCGAGCCCAGGGTAAATATT-3'
Protein context (NP_004513.1, residues 648-668): QNMEQKRRQL[Glu658Lys]ESQDSLSEEL